The following is an entry in ClinVar:

NM_016138.5(COQ7):c.574T>G (p.Leu192Val)

Gene: COQ7 (coenzyme Q7, hydroxylase; plus strand). Cytogenetic location: 16p12.3.
Variant type: single nucleotide variant.
Coding change: c.574T>G on transcript NM_016138.5 (MANE Select); coding-DNA position 574, T replaced by G.
Protein change: p.Leu192Val; replaces leucine 192 with valine.
Molecular consequence: missense variant. On other transcripts: non-coding transcript variant (3), intron variant (3).
Genome position (GRCh38, 1-based): chr16:19,077,372, T>G. VCF-style: chr16-19077372-T-G. GRCh37 (hg19) VCF-style: chr16-19088694-T-G.
Other names: c.460T>G, p.Leu154Val (NM_001190983.2, NM_001370492.1, NM_001370493.1 and 1 more transcripts); c.532T>G, p.Leu178Val (NM_001370489.1); c.508-709T>G (NM_001370490.1); c.394-709T>G (NM_001370495.1); c.466-709T>G (NM_001370491.1); short protein forms L192V, L154V, L178V.
Identifiers: ClinVar variation 1973239 (VCV001973239.3), dbSNP rs769581723, ClinGen allele CA394925358.

ClinVar aggregate classification (germline): Uncertain significance (1 of 4 stars; one submission).

Submission:

Labcorp Genetics (formerly Invitae), Labcorp
Classification: Uncertain significance. Last evaluated: 2022-11-01. Review status: criteria provided, single submitter. Criteria: Invitae Variant Classification Sherloc (09022015). Collection method: clinical testing. Allele origin: germline.
Comment: In summary, the available evidence is currently insufficient to determine the role of this variant in disease. Therefore, it has been classified as a Variant of Uncertain Significance. Algorithms developed to predict the effect of missense changes on protein structure and function (SIFT, PolyPhen-2, Align-GVGD) all suggest that this variant is likely to be tolerated. This variant has not been reported in the literature in individuals affected with COQ7-related conditions. This variant is not present in population databases (gnomAD no frequency). This sequence change replaces leucine, which is neutral and non-polar, with valine, which is neutral and non-polar, at codon 192 of the COQ7 protein (p.Leu192Val).